The following is an entry in ClinVar:

ClinVar aggregate classification (germline): Conflicting classifications of pathogenicity. Review status: criteria provided, conflicting classifications (1 of 4 stars). 5 submissions from 5 submitters: Uncertain significance (3); Likely benign (1). 1 of the submissions does not count toward it. Last evaluated 2026-01-19.

Conditions:
Cardiovascular phenotype. Identifiers: MedGen CN230736.
Alstrom syndrome (ALMS). Identifiers: Orphanet 64, MedGen C0268425, MONDO:0008763, OMIM 203800.

Allele frequency attached by ClinVar (database versions not stated): gnomAD exomes 0.00001 and 0.00002; ExAC 0.00002; gnomAD 0.00002; TOPMed 0.00005; ESP Exome Variant Server 0.00008.
gnomAD v4.1: 19 of 1,613,776 alleles (0.0012%); highest among the groups gnomAD compares: Non-Finnish European, 0.0015%; no homozygotes.

Submissions (5):

Women's Health and Genetics/Laboratory Corporation of America, LabCorp
Classification: Uncertain significance. Last evaluated: 2026-01-19. Review status: criteria provided, single submitter. Criteria: LabCorp Variant Classification Summary - May 2015. Collection method: clinical testing. Allele origin: germline.

Ambry Genetics
Classification: Likely benign for Cardiovascular phenotype. Last evaluated: 2025-06-09. Review status: criteria provided, single submitter. Criteria: Ambry Variant Classification Scheme 2023. Collection method: clinical testing. Allele origin: germline.

Labcorp Genetics (formerly Invitae), Labcorp
Classification: Uncertain significance for Alstrom syndrome. Last evaluated: 2022-10-03. Review status: criteria provided, single submitter. Criteria: Invitae Variant Classification Sherloc (09022015). Collection method: clinical testing. Allele origin: germline.
Comment: This sequence change replaces threonine, which is neutral and polar, with serine, which is neutral and polar, at codon 1733 of the ALMS1 protein (p.Thr1733Ser). This variant is present in population databases (rs370735089, gnomAD 0.004%). This variant has not been reported in the literature in individuals affected with ALMS1-related conditions. ClinVar contains an entry for this variant (Variation ID: 554327). Experimental studies and prediction algorithms are not available or were not evaluated, and the functional significance of this variant is currently unknown. In summary, the available evidence is currently insufficient to determine the role of this variant in disease. Therefore, it has been classified as a Variant of Uncertain Significance.

Fulgent Genetics
Classification: Uncertain significance for Alstrom syndrome. Last evaluated: 2022-05-17. Review status: criteria provided, single submitter. Criteria: ACMG Guidelines, 2015. Collection method: clinical testing. Allele origin: unknown.

Counsyl
Classification: Uncertain significance for Alstrom syndrome. Last evaluated: 2017-10-16. Review status: no assertion criteria provided. Collection method: clinical testing. Allele origin: unknown. Not counted in ClinVar's aggregate classification.

NM_001378454.1(ALMS1):c.5194A>T (p.Thr1732Ser)

Gene: ALMS1 (ALMS1 centrosome and basal body associated protein; plus strand). Cytogenetic location: 2p13.1.
Variant type: single nucleotide variant.
Coding change: c.5194A>T on transcript NM_001378454.1 (MANE Select); coding-DNA position 5194, A replaced by T.
Protein change: p.Thr1732Ser; replaces threonine 1732 with serine.
Molecular consequence: missense variant.
Genome position (GRCh38, 1-based): chr2:73,451,721, A>T. VCF-style: chr2-73451721-A-T. GRCh37 (hg19) VCF-style: chr2-73678848-A-T.
Other names: c.5197A>T, p.Thr1733Ser (NM_015120.4); short protein forms T1733S, T1732S.
Identifiers: ClinVar variation 554327 (VCV000554327.8), dbSNP rs370735089, ClinGen allele CA1713837.